The following is an entry in ClinVar:

NM_001376.5(DYNC1H1):c.1859A>G (p.His620Arg)

Gene: DYNC1H1 (dynein cytoplasmic 1 heavy chain 1; plus strand). Cytogenetic location: 14q32.31.
Variant type: single nucleotide variant.
Coding change: c.1859A>G on transcript NM_001376.5 (MANE Select); coding-DNA position 1859, A replaced by G.
Protein change: p.His620Arg; replaces histidine 620 with arginine.
Molecular consequence: missense variant.
Genome position (GRCh38, 1-based): chr14:101,986,084, A>G. VCF-style: chr14-101986084-A-G. GRCh37 (hg19) VCF-style: chr14-102452421-A-G.
Other names: short protein forms H620R.
Identifiers: ClinVar variation 2506785 (VCV002506785.2), dbSNP rs2503694662, ClinGen allele CA391019533.
Genomic context (GRCh38, chr14:101,986,084, plus strand): 5'-CCATTCGCGAATACCAGACCCAGCTGATCCAGCGCGTGAAAGATGACATTGAGTCTCTTC[A>G]CGACAAGTTCAAGGTCCAGTACCCACAGAGTCAGGCTTGTAAGATGAGTCACGTTCGTGA-3'
Protein context (NP_001367.2, residues 610-630): QRVKDDIESL[His620Arg]DKFKVQYPQS

ClinVar aggregate classification (germline): Uncertain significance (1 of 4 stars; one submission).

Conditions:
Spinal muscular atrophy with lower extremity predominance. Also called: Autosomal dominant childhood-onset proximal spinal muscular atrophy. Identifiers: Orphanet 363447, MedGen C1834690, MONDO:0018190.
Charcot-Marie-Tooth disease axonal type 2O. Also called: CHARCOT-MARIE-TOOTH NEUROPATHY, AXONAL, TYPE 2O; CHARCOT-MARIE-TOOTH DISEASE, AXONAL, AUTOSOMAL DOMINANT, TYPE 2O; Charcot-Marie-Tooth Neuropathy Type 2O; Charcot-Marie-Tooth disease, axonal, type 20. Identifiers: Orphanet 284232, MedGen C3280220, MONDO:0013644, OMIM 614228.

Submission:

GeneDx
Classification: Uncertain significance. Last evaluated: 2023-06-26. Review status: criteria provided, single submitter. Criteria: GeneDx Variant Classification Process June 2021. Collection method: clinical testing. Allele origin: germline. Affected: yes.
Comment: Not observed at significant frequency in large population cohorts (gnomAD); In silico analysis supports that this missense variant has a deleterious effect on protein structure/function; Has not been previously published as pathogenic or benign to our knowledge; This variant is associated with the following publications: (PMID: 26100331, 25512093, 25609763)